The following is an entry in ClinVar:

NM_014704.4(CEP104):c.1561G>T (p.Glu521Ter)

Gene: CEP104 (centrosomal protein 104; minus strand). Cytogenetic location: 1p36.32.
Variant type: single nucleotide variant.
Coding change: c.1561G>T on transcript NM_014704.4 (MANE Select); coding-DNA position 1561, G replaced by T.
Protein change: p.Glu521Ter; replaces glutamic acid 521 with a stop codon.
Molecular consequence: nonsense.
Genome position (GRCh38, 1-based): chr1:3,833,960, C>A on the plus strand (G>T on the coding strand, the complement: CEP104 is on the minus strand). VCF-style: chr1-3833960-C-A. GRCh37 (hg19) VCF-style: chr1-3750524-C-A.
Other names: short protein forms E521*.
Identifiers: ClinVar variation 2633413 (VCV002633413.1), dbSNP rs2525430282, ClinGen allele CA338040427.

ClinVar aggregate classification (germline): Likely pathogenic (1 of 4 stars; one submission).

Conditions:
CEP104-related disorder. Also called: CEP104-related condition.

Submission:

PreventionGenetics, part of Exact Sciences
Classification: Likely pathogenic for CEP104-related condition. Last evaluated: 2023-04-04. Review status: criteria provided, single submitter. Criteria: ACMG Guidelines, 2015. Collection method: clinical testing. Allele origin: germline.
Comment: The CEP104 c.1561G>T variant is predicted to result in premature protein termination (p.Glu521*). To our knowledge, this variant has not been reported in the literature or in a large population database, indicating this variant is rare. Nonsense variants in CEP104 are expected to be pathogenic. This variant is interpreted as likely pathogenic.